The following is an entry in ClinVar:

ClinVar aggregate classification (germline): Uncertain significance (1 of 4 stars; one submission).

Submission:

Labcorp Genetics (formerly Invitae), Labcorp
Classification: Uncertain significance. Last evaluated: 2022-08-16. Review status: criteria provided, single submitter. Criteria: Invitae Variant Classification Sherloc (09022015). Collection method: clinical testing. Allele origin: germline.
Comment: This variant, c.2197_2205del, results in the deletion of 3 amino acid(s) of the C6 protein (p.Pro733_Gly735del), but otherwise preserves the integrity of the reading frame. This variant is not present in population databases (gnomAD no frequency). In summary, the available evidence is currently insufficient to determine the role of this variant in disease. Therefore, it has been classified as a Variant of Uncertain Significance. Experimental studies and prediction algorithms are not available or were not evaluated, and the functional significance of this variant is currently unknown. This variant has not been reported in the literature in individuals affected with C6-related conditions.

NM_000065.5(C6):c.2197_2205del (p.Pro733_Gly735del)

Gene: C6 (complement C6; minus strand). Cytogenetic location: 5p13.1.
Variant type: Deletion.
Coding change: c.2197_2205del on transcript NM_000065.5 (MANE Select); coding-DNA positions 2197 to 2205, 9 bases deleted (CCCAAAGGC; older notation c.2197_2205delCCCAAAGGC).
Protein change: p.Pro733_Gly735del.
Molecular consequence: inframe deletion.
Genome position (GRCh38, 1-based): chr5:41,153,895-41,153,903, GCCTTTGGG deleted on the plus strand (CCCAAAGGC on the coding strand, the reverse complement: C6 is on the minus strand); deleting any 9 consecutive bases within chr5:41,153,895-41,153,905 gives the same sequence; the c. name uses the placement nearest the transcript's 3' end. VCF-style (leftmost placement, unchanged base first): chr5-41153894-AGCCTTTGGG-A. GRCh37 (hg19) VCF-style: chr5-41153996-AGCCTTTGGG-A.
Other names: c.2197_2205del, p.Pro733_Gly735del (NM_001115131.4).
Identifiers: ClinVar variation 2030381 (VCV002030381.3), dbSNP rs1561097853, ClinGen allele CA917458898.
Genomic context (GRCh38, chr5:41,153,894, plus strand): 5'-AAATGGGTGGTGTCCAGGAATTCCCCTGGCATGTGTACCTTGATGGCCCAGCAACAACAA[AGCCTTTGGG>A]GCAAGTTAGCTCAATGGATTCACCAATTCTATACAATCTCTGAAATGGTGTAATTGTCAG-3'